The following is an entry in ClinVar:

ClinVar aggregate classification (germline): Likely benign. Review status: criteria provided, single submitter (1 of 4 stars). 2 submissions from 2 submitters: Likely benign (1). 1 of the submissions does not count toward it. Last evaluated 2022-10-11.

Conditions:
ZNF292-related disorder. Also called: ZNF292-related condition.

Allele frequency attached by ClinVar (database versions not stated): gnomAD exomes 0.00001; ExAC 0.00002.
gnomAD v4.1: 3 of 1,613,596 alleles (0.00019%); highest among the groups gnomAD compares: Non-Finnish European, 0.00025%; no homozygotes.

Submissions (2):

Blueprint Genetics
Classification: Likely benign. Last evaluated: 2022-10-11. Review status: criteria provided, single submitter. Criteria: ACMG Guidelines, 2015. Collection method: clinical testing. Allele origin: germline.

PreventionGenetics, part of Exact Sciences
Classification: Likely benign for ZNF292-related condition. Last evaluated: 2021-09-20. Review status: no assertion criteria provided. Collection method: clinical testing. Allele origin: germline. Not counted in ClinVar's aggregate classification.
Comment: This variant is classified as likely benign based on ACMG/AMP sequence variant interpretation guidelines (Richards et al. 2015 PMID: 25741868, with internal and published modifications).

NM_015021.3(ZNF292):c.6453A>G (p.Glu2151=)

Gene: ZNF292 (zinc finger protein 292; plus strand). Cytogenetic location: 6q14.3.
Variant type: single nucleotide variant.
Coding change: c.6453A>G on transcript NM_015021.3 (MANE Select); coding-DNA position 6453, A replaced by G.
Protein change: p.Glu2151=; no amino-acid change (glutamic acid 2151 retained).
Molecular consequence: synonymous variant.
Genome position (GRCh38, 1-based): chr6:87,260,082, A>G. VCF-style: chr6-87260082-A-G. GRCh37 (hg19) VCF-style: chr6-87969800-A-G.
Other names: c.6033A>G, p.Glu2011= (NM_001351444.2).
Identifiers: ClinVar variation 3060017 (VCV003060017.3), dbSNP rs760742566, ClinGen allele CA3914637.